The following is an entry in ClinVar:

ClinVar aggregate classification (germline): Likely benign (0 of 4 stars; one submission).

Conditions:
NOTCH2-related disorder. Also called: NOTCH2-related condition.

Submission:

PreventionGenetics, part of Exact Sciences
Classification: Likely benign for NOTCH2-related condition. Last evaluated: 2024-03-18. Review status: no assertion criteria provided. Collection method: clinical testing. Allele origin: germline.
Comment: This variant is classified as likely benign based on ACMG/AMP sequence variant interpretation guidelines (Richards et al. 2015 PMID: 25741868, with internal and published modifications).

NM_024408.4(NOTCH2):c.5955T>C (p.Ala1985=)

Gene: NOTCH2 (notch receptor 2; minus strand). Cytogenetic location: 1p12.
Variant type: single nucleotide variant.
Coding change: c.5955T>C on transcript NM_024408.4 (MANE Select); coding-DNA position 5955, T replaced by C.
Protein change: p.Ala1985=; no amino-acid change (alanine 1985 retained).
Molecular consequence: synonymous variant.
Genome position (GRCh38, 1-based): chr1:119,917,737, A>G on the plus strand (T>C on the coding strand, the complement: NOTCH2 is on the minus strand). VCF-style: chr1-119917737-A-G. GRCh37 (hg19) VCF-style: chr1-120460360-A-G.
Identifiers: ClinVar variation 3349775 (VCV003349775.1).
Genomic context (GRCh38, chr1:119,917,737, plus strand): 5'-CATGTCTCGGTTGGCCCCATTTTTCAACAACAAAAGAGTTGCCTCCACATTATTGACAGC[A>G]GCTGCCCAGTGAAGAGCAGATTTTCCTGCAGGGGAGAAACATTTTTATAAACAGACATAT-3'
Protein context (NP_077719.2, residues 1975-1995): DHGKSALHWA[Ala1985=]AVNNVEATLL